The following is an entry in ClinVar:

NM_000540.3(RYR1):c.2122G>A (p.Asp708Asn)

Gene: RYR1 (ryanodine receptor 1; plus strand). Cytogenetic location: 19q13.2.
Variant type: single nucleotide variant.
Coding change: c.2122G>A on transcript NM_000540.3 (MANE Select); coding-DNA position 2122, G replaced by A.
Protein change: p.Asp708Asn; replaces aspartic acid 708 with asparagine.
Molecular consequence: missense variant.
Genome position (GRCh38, 1-based): chr19:38,458,247, G>A. VCF-style: chr19-38458247-G-A. GRCh37 (hg19) VCF-style: chr19-38948887-G-A.
Other names: NM_000540.3(RYR1):c.2122G>A; c.2122G>A, p.Asp708Asn (NM_001042723.2); short protein forms D708N.
Identifiers: ClinVar variation 159840 (VCV000159840.42), dbSNP rs138874610, ClinGen allele CA024331.

ClinVar aggregate classification (germline): Uncertain significance. Review status: reviewed by expert panel (3 of 4 stars). 19 submissions from 19 submitters: Uncertain significance (1). 18 of the submissions do not count toward it. Last evaluated 2025-08-01.

Conditions:
King Denborough syndrome (KDS). Identifiers: MedGen C1840365, MONDO:0020485, OMIM 619542.
Malignant hyperthermia, susceptibility to, 1 (MHS1). Also called: Anesthesia related hyperthermia; Malignant hyperpyrexia; Fulminating hyperpyrexia; Pharmacogenic myopathy; RYR1-Related Malignant Hyperthermia Susceptibility; Malignant hyperthermia suceptibility 1. Identifiers: Orphanet 423, MedGen C2930980, MONDO:0007783, OMIM 145600.
Central core myopathy (CMYO1A). Also called: Central core disease; Myopathy, central fibrillar; CONGENITAL MYOPATHY 1A, AUTOSOMAL DOMINANT, WITH SUSCEPTIBILITY TO MALIGNANT HYPERTHERMIA. Identifiers: Orphanet 597, MedGen C5830701, MONDO:0007294, OMIM 117000.
Congenital multicore myopathy with external ophthalmoplegia (CMYO1B). Also called: Congenital myopathy 1B, autosomal recessive; Minicore myopathy; MULTICORE MYOPATHY; Minicore myopathy with external ophthalmoplegia; MULTIMINICORE DISEASE WITH EXTERNAL OPHTHALMOPLEGIA. Identifiers: Orphanet 598, Orphanet 98905, MedGen C1850674, MONDO:0009712, OMIM 255320, HP:0003789.
Congenital myopathy with fiber type disproportion. Also called: Congenital fiber-type disproportion myopathy; Congenital fiber-type disproportion. Identifiers: Orphanet 2020, MedGen C0546264, MONDO:0009711. Inheritance: all.
RYR1-related disorder. Also called: RYR1-related disorders; RYR1-related condition. Identifiers: MedGen CN239331.
Congenital myopathy. Identifiers: Orphanet 97245, MedGen C0270960, MONDO:0019952.

Allele frequency attached by ClinVar (database versions not stated): 1000 Genomes Project 30x 0.00016; ESP Exome Variant Server 0.00031; gnomAD exomes 0.00054 and 0.00068; ExAC 0.00059; TOPMed 0.00059; gnomAD 0.00061 and 0.00065.
gnomAD v4.1: 1,062 of 1,614,006 alleles (0.066%); highest among the groups gnomAD compares: Non-Finnish European, 0.077%; 1 homozygote.

Submissions 1 to 12 of 19:

ClinGen Malignant Hyperthermia Susceptibility Variant Curation Expert Panel, ClinGen
Classification: Uncertain significance for Malignant hyperthermia, susceptibility to, 1. Last evaluated: 2025-08-01. Review status: reviewed by expert panel. Criteria: ClinGen MHS ACMG Specifications V2. Collection method: curation. Allele origin: germline. Inheritance: Autosomal dominant inheritance. Study: ClinGen.
Comment: This pathogenicity assessment is relevant only for malignant hyperthermia susceptibility (MHS) inherited in an autosomal dominant pattern. Variants in RYR1 can also cause other myopathies inherited in an autosomal dominant pattern or in an autosomal recessive pattern. Some of these disorders may predispose individuals to malignant hyperthermia. RYR1 variants may also contribute to a malignant hyperthermia reaction in combination with other genetic and non-genetic factors and the clinician needs to consider such factors in making management decisions. This sequence variant predicts a substitution of Aspartic acid with Asparagine at codon 708 of the RYR1 protein, p.(Asp708Asn). The maximum allele frequency for this variant among the six major gnomAD populations is NFE: 0.0007, a frequency consistent with pathogenicity for MHS. This variant has been reported in individuals with congenital myopathies inherited in an autosomal recessive pattern. No functional studies were identified for this variant. This variant does not reside in a hotspot for pathogenic variants that contribute to MHS. A REVEL score of 0.726 supports neither a pathogenic nor a benign status for this variant. This variant has been classified as a Variant of Unknown Significance. No criteria were implemented.

Labcorp Genetics (formerly Invitae), Labcorp
Classification: Likely benign for RYR1-related disorder. Last evaluated: 2026-01-26. Review status: criteria provided, single submitter. Criteria: Invitae Variant Classification Sherloc (09022015). Collection method: clinical testing. Allele origin: germline. Not counted in ClinVar's aggregate classification.

Mayo Clinic Laboratories, Mayo Clinic
Classification: Likely benign. Last evaluated: 2025-09-10. Review status: criteria provided, single submitter. Criteria: ACMG Guidelines, 2015. Collection method: clinical testing. Allele origin: germline. Observed: 3 variant alleles. Not counted in ClinVar's aggregate classification.
Comment: BS1, BP2

Blueprint Genetics
Classification: Likely benign. Last evaluated: 2024-09-11. Review status: criteria provided, single submitter. Criteria: ACMG Guidelines, 2015. Collection method: clinical testing. Allele origin: germline. Not counted in ClinVar's aggregate classification.

Revvity Omics, Revvity
Classification: Uncertain significance. Last evaluated: 2022-11-10. Review status: criteria provided, single submitter. Criteria: ACMG Guidelines, 2015. Collection method: clinical testing. Allele origin: germline. Not counted in ClinVar's aggregate classification.

Color Diagnostics, LLC DBA Color Health
Classification: Likely benign for Malignant hyperthermia, susceptibility to, 1. Last evaluated: 2022-11-09. Review status: criteria provided, single submitter. Criteria: ACMG Guidelines, 2015. Collection method: clinical testing. Allele origin: germline. Not counted in ClinVar's aggregate classification.

Women's Health and Genetics/Laboratory Corporation of America, LabCorp
Classification: Likely benign. Last evaluated: 2022-10-07. Review status: criteria provided, single submitter. Criteria: LabCorp Variant Classification Summary - May 2015. Collection method: clinical testing. Allele origin: germline. Not counted in ClinVar's aggregate classification.
Comment: Variant summary: RYR1 c.2122G>A (p.Asp708Asn) results in a conservative amino acid change located in the first B30.2/SPRY domain (IPR001870) of the encoded protein sequence. Four of five in-silico tools predict a damaging effect of the variant on protein function. The variant allele was found at a frequency of 0.00054 in 248290 control chromosomes in the gnomAD database, including 1 homozygote. The observed variant frequency is approximately 6-fold of the estimated maximal expected allele frequency for a pathogenic variant in RYR1 causing Malignant Hyperthermia Susceptibility (MHS) phenotype (8.8e-05), suggesting that the variant is not causal for this phenotype. The association with recessive myopathies cannot be excluded based on this frequency, although the presence of a homozygous occurrence suggests a benign role for these phenotypes as well. The variant, c.2122G>A, has been reported in the literature in individuals affected with a variety of RYR-related myopathies (e.g. Zhou_2010, Klein_2012, Rokach_2015, Colombo_2015, Carmona_2016, Lopez_2016), however in all of these reports the presence of the variant c.6721C>T (p.Arg2241X) was noted, and multiple reports described these two variants in cis, in combination with another (likely) pathogenic missense variants in trans, which explained the recessive inheritance. A publication also reported the absence of allele specific mRNA expression in a patient derived muscle biopsy sample, likely as a result of nonsense-mediated decay caused by the p.Arg2241X stop mutation, further supporting that both variants originate from the same allele (Zhou_2010). In addition, variant co-occurrence analysis in gnomAD indicates that the c.6721C>T (p.Arg2241X) variant is likely found on the same haplotype as c.2122G>A (p.Asp708Asn) in most individuals. To our knowledge, no experimental evidence demonstrating an impact on protein function has been reported. Nine clinical diagnostic laboratories have submitted clinical-significance assessments for this variant to ClinVar after 2014 classifying as VUS (n=4), likely benign (n=4) and benign (n=1). Based on the evidence outlined above, the variant was classified as likely benign.

Fulgent Genetics
Classification: Uncertain significance for Central core myopathy; Malignant hyperthermia, susceptibility to, 1; Congenital myopathy 4A, autosomal dominant; Congenital multicore myopathy with external ophthalmoplegia; King Denborough syndrome. Last evaluated: 2022-02-22. Review status: criteria provided, single submitter. Criteria: ACMG Guidelines, 2015. Collection method: clinical testing. Allele origin: unknown. Not counted in ClinVar's aggregate classification.

AiLife Diagnostics
Classification: Uncertain significance. Last evaluated: 2021-05-26. Review status: criteria provided, single submitter. Criteria: ACMG Guidelines, 2015. Collection method: clinical testing. Allele origin: germline. Affected: yes. Observed: 1 variant allele. Not counted in ClinVar's aggregate classification.

GeneDx
Classification: Likely benign. Last evaluated: 2020-10-15. Review status: criteria provided, single submitter. Criteria: GeneDx Variant Classification Process June 2021. Collection method: clinical testing. Allele origin: germline. Affected: yes. Not counted in ClinVar's aggregate classification.
Comment: This variant is associated with the following publications: (PMID: 26245150, 29298851, 30155738, 23553787, 25637381, 23919265, 22473935, 21911697, 20080402, 24195946, 20839240, 32236737)

Genetics and Molecular Pathology, SA Pathology
Classification: Uncertain significance for Malignant hyperthermia, susceptibility to, 1. Last evaluated: 2020-04-02. Review status: criteria provided, single submitter. Criteria: ACMG Guidelines, 2015. Collection method: clinical testing. Allele origin: germline. Affected: yes. Not counted in ClinVar's aggregate classification.
Comment: The RYR1 c.2122G>A variant is classified as VARIANT OF UNCERTAIN SIGNIFICANCE (PM2, PP3, PS4 - supporting) The RYR1 c.2122G>A variant is a single nucleotide change from a guanine to an adenine at position 2122 which is predicted to change the amino acid aspartic acid at position 708 in the protein to asparagine. This variant is in exon 18 if 106. The variant has been previously described in patients who also carried the Arg2241* variant (PMID: 20080402; PMID: 23919265; PMID: 21911697) (PS4 – supporting). The variant is in dbSNP (rs138874610) and has been reported in population databases (gnomAD 152/279634, 1 homozygote) (PM2). There are conflicting interpretations of pathogenicity in ClinVar including Benign, Likely Benign and VUS by other diagnostic laboratories (Variation ID 159840). Computational predictions support a deleterious effect on the gene or gene product (PP3).

Mendelics
Classification: Benign for Malignant hyperthermia, susceptibility to, 1. Last evaluated: 2019-05-28. Review status: criteria provided, single submitter. Criteria: Mendelics Assertion Criteria 2017. Collection method: clinical testing. Allele origin: unknown. Not counted in ClinVar's aggregate classification.